The following is an entry in ClinVar:

NM_000494.4(COL17A1):c.3161C>T (p.Thr1054Ile)

Gene: COL17A1 (collagen type XVII alpha 1 chain; minus strand). Cytogenetic location: 10q25.1.
Variant type: single nucleotide variant.
Coding change: c.3161C>T on transcript NM_000494.4 (MANE Select); coding-DNA position 3161, C replaced by T.
Protein change: p.Thr1054Ile; replaces threonine 1054 with isoleucine.
Molecular consequence: missense variant.
Genome position (GRCh38, 1-based): chr10:104,037,683, G>A on the plus strand (C>T on the coding strand, the complement: COL17A1 is on the minus strand). VCF-style: chr10-104037683-G-A. GRCh37 (hg19) VCF-style: chr10-105797441-G-A.
Other names: short protein forms T1054I.
Identifiers: ClinVar variation 4768810 (VCV004768810.1).

ClinVar aggregate classification (germline): Uncertain significance (1 of 4 stars; one submission).

gnomAD v4.1: 2 of 1,614,196 alleles (0.00012%); highest among the groups gnomAD compares: South Asian, 0.0011%; no homozygotes.

Submission:

Labcorp Genetics (formerly Invitae), Labcorp
Classification: Uncertain significance. Last evaluated: 2025-12-17. Review status: criteria provided, single submitter. Criteria: Invitae Variant Classification Sherloc (09022015). Collection method: clinical testing. Allele origin: germline.
Comment: This sequence change replaces threonine, which is neutral and polar, with isoleucine, which is neutral and non-polar, at codon 1054 of the COL17A1 protein (p.Thr1054Ile). This variant is present in population databases (rs750551723, gnomAD 0.01%). This variant has not been reported in the literature in individuals affected with COL17A1-related conditions. An algorithm developed to predict the effect of missense changes on protein structure and function (PolyPhen-2) suggests that this variant is likely to be disruptive. In summary, the available evidence is currently insufficient to determine the role of this variant in disease. Therefore, it has been classified as a Variant of Uncertain Significance.